The following is an entry in ClinVar:

ClinVar aggregate classification (germline): Likely pathogenic (1 of 4 stars; one submission).

Conditions:
Hermansky-Pudlak syndrome (HPS). Also called: ALBINISM WITH HEMORRHAGIC DIATHESIS AND PIGMENTED RETICULOENDOTHELIAL CELLS. Identifiers: Orphanet 79430, MedGen C0079504, MONDO:0019312.

Submission:

Natera, Inc.
Classification: Likely pathogenic for Hermansky-Pudlak syndrome. Last evaluated: 2024-03-22. Review status: criteria provided, single submitter. Criteria: Natera Variant Classification Schema (03/2026). Collection method: clinical testing. Allele origin: germline.
Comment: The c.965_966delCCinsA variant in HPS1 is a frameshift variant predicted to shift the reading frame beginning at codon 322 and leads to a stop codon 9 codons downstream. This variant is expected to result in nonsense mediated decay, truncation, or a dysfunctional protein product. This variant is rare in the general population with a frequency below the threshold expected for the associated phenotype(s). Given the available evidence, this variant is classified as Likely Pathogenic.

NM_000195.5(HPS1):c.965_966delinsA (p.Thr322fs)

Gene: HPS1 (HPS1 biogenesis of lysosomal organelles complex 3 subunit 1; minus strand). Cytogenetic location: 10q24.2.
Variant type: Indel.
Coding change: c.965_966delinsA on transcript NM_000195.5 (MANE Select); coding-DNA positions 965 to 966, CC replaced by A.
Protein change: p.Thr322fs; shifts the reading frame from threonine 322.
Molecular consequence: frameshift variant. On other transcripts: 5 prime UTR variant (3).
Genome position (GRCh38, 1-based): chr10:98,427,236-98,427,237, GG replaced by T on the plus strand (CC replaced by A on the coding strand, the reverse complement: HPS1 is on the minus strand). VCF-style: chr10-98427236-GG-T. GRCh37 (hg19) VCF-style: chr10-100186993-GG-T.
Other names: c.-8_-7delinsA (NM_001311345.2, NM_001322487.2, NM_001322489.2); c.965_966delinsA, p.Thr322fs (NM_001322476.2, NM_001322477.2); c.866_867delinsA, p.Thr289fs (NM_001322478.2, NM_001322479.2); c.704_705delinsA, p.Thr235fs (NM_001322480.2, NM_001322481.2); c.605_606delinsA, p.Thr202fs (NM_001322482.2); c.596_597delinsA, p.Thr199fs (NM_001322483.2, NM_001322484.2); c.497_498delinsA, p.Thr166fs (NM_001322485.2); short protein forms T166fs, T199fs, T202fs, T235fs, T289fs, T322fs.
Identifiers: ClinVar variation 4817891 (VCV004817891.1).
Genomic context (GRCh38, chr10:98,427,236, plus strand): 5'-AGATCAGCTGGCGCCCAGGCAGGCACAGGAGAAACTCACCTGAAGGGCATCCATGGGGGG[GG>T]TGCCCCCCTCCAGCCAGATGGTGCTACCTGCAGGCCACAGGTAATAACATAACGATGTAA-3'